The following is an entry in ClinVar:

NM_152393.4(KLHL40):c.755_757del (p.Arg252_Lys253delinsGln)

Gene: KLHL40 (kelch like family member 40; plus strand). Cytogenetic location: 3p22.1.
Variant type: Deletion.
Coding change: c.755_757del on transcript NM_152393.4 (MANE Select); coding-DNA positions 755 to 757, 3 bases deleted (GCA; older notation c.755_757delGCA).
Protein change: p.Arg252_Lys253delinsGln.
Molecular consequence: inframe indel.
Genome position (GRCh38, 1-based): chr3:42,686,373-42,686,375, GCA deleted. VCF-style (leftmost placement, unchanged base first): chr3-42686372-CGCA-C. GRCh37 (hg19) VCF-style: chr3-42727864-CGCA-C.
Identifiers: ClinVar variation 2012838 (VCV002012838.4), dbSNP rs2471308135, ClinGen allele CA2580069844.

ClinVar aggregate classification (germline): Uncertain significance (1 of 4 stars; one submission).

Conditions:
Nemaline myopathy 8 (NEM8). Also called: Nemaline myopathy 8, autosomal recessive. Identifiers: Orphanet 171430, MedGen C3809209, MONDO:0014138, OMIM 615348.

Submission:

Labcorp Genetics (formerly Invitae), Labcorp
Classification: Uncertain significance for Nemaline myopathy 8. Last evaluated: 2022-07-01. Review status: criteria provided, single submitter. Criteria: Invitae Variant Classification Sherloc (09022015). Collection method: clinical testing. Allele origin: germline.
Comment: This variant, c.755_757del, is a complex sequence change that results in the deletion of 2 and insertion of 1 amino acid(s) in the KLHL40 protein (p.Arg252_Lys253delinsGln). This variant is not present in population databases (gnomAD no frequency). This variant has not been reported in the literature in individuals affected with KLHL40-related conditions. Experimental studies and prediction algorithms are not available or were not evaluated, and the functional significance of this variant is currently unknown. In summary, the available evidence is currently insufficient to determine the role of this variant in disease. Therefore, it has been classified as a Variant of Uncertain Significance.